The following is an entry in ClinVar:

NM_182931.3(KMT2E):c.2861C>T (p.Pro954Leu)

Gene: KMT2E (lysine methyltransferase 2E (inactive); plus strand). Cytogenetic location: 7q22.3.
Variant type: single nucleotide variant.
Coding change: c.2861C>T on transcript NM_182931.3 (MANE Select); coding-DNA position 2861, C replaced by T.
Protein change: p.Pro954Leu; replaces proline 954 with leucine.
Molecular consequence: missense variant.
Genome position (GRCh38, 1-based): chr7:105,107,179, C>T. VCF-style: chr7-105107179-C-T. GRCh37 (hg19) VCF-style: chr7-104747626-C-T.
Other names: c.2861C>T, p.Pro954Leu (NM_001410908.1, NM_018682.4); short protein forms P954L.
Identifiers: ClinVar variation 5008049 (VCV005008049.1).
Genomic context (GRCh38, chr7:105,107,179, plus strand): 5'-CTTACGTATTTTTAAATTTTCAATTCTAATTCTTTCTTTATATACAGAATATTTCTTCCC[C>T]AGAAAGTTCTCCAGAAATAAAGAGACGCACTTATAGTCAAGAGGTAAGAAGTTAACTTAA-3'
Protein context (NP_891847.1, residues 944-964): NTMHFENISS[Pro954Leu]ESSPEIKRRT

ClinVar aggregate classification (germline): Uncertain significance (1 of 4 stars; one submission).

Submission:

GeneDx
Classification: Uncertain significance. Last evaluated: 2026-02-27. Review status: criteria provided, single submitter. Criteria: GeneDx Variant Classification Process June 2021. Collection method: clinical testing. Allele origin: germline.
Comment: Not observed at significant frequency in large population cohorts (gnomAD); In silico analysis supports that this missense variant has a deleterious effect on protein structure/function; Has not been previously published as pathogenic or benign to our knowledge